The following is an entry in ClinVar:

NM_001733.7(C1R):c.446G>A (p.Arg149Gln)

Gene: C1R (complement C1r; minus strand). Cytogenetic location: 12p13.31.
Variant type: single nucleotide variant.
Coding change: c.446G>A on transcript NM_001733.7 (MANE Select); coding-DNA position 446, G replaced by A.
Protein change: p.Arg149Gln; replaces arginine 149 with glutamine.
Molecular consequence: missense variant.
Genome position (GRCh38, 1-based): chr12:7,089,712, C>T on the plus strand (G>A on the coding strand, the complement: C1R is on the minus strand). VCF-style: chr12-7089712-C-T. GRCh37 (hg19) VCF-style: chr12-7242308-C-T.
Other names: c.488G>A, p.Arg163Gln (NM_001354346.2); short protein forms R149Q, R163Q.
Identifiers: ClinVar variation 4688433 (VCV004688433.1).

ClinVar aggregate classification (germline): Likely benign (1 of 4 stars; one submission).

Submission:

Women's Health and Genetics/Laboratory Corporation of America, LabCorp
Classification: Likely benign. Last evaluated: 2025-12-30. Review status: criteria provided, single submitter. Criteria: LabCorp Variant Classification Summary - May 2015. Collection method: clinical testing. Allele origin: germline.
Comment: Variant summary: C1R c.446G>A (p.Arg149Gln) results in a conservative amino acid change in the encoded protein sequence. Algorithms developed to predict the effect of missense changes on protein structure and function all suggest that this variant is likely to be tolerated. The variant allele was found at a frequency of 3.8e-05 in 780824 control chromosomes, predominantly at a frequency of 5.3e-05 within the Non-Finnish European subpopulation in the gnomAD database. The observed variant frequency within Non-Finnish European control individuals in the gnomAD database exceeds the estimated maximal expected allele frequency for disease-causing variants in C1R. c.446G>A has been observed in the heterozygous state in an individual affected with Gorham-Stout Disease (example: Rudilla_2019). This report does not provide unequivocal conclusions about association of the variant with Ehlers-Danlos syndrome, periodontal type 1. To our knowledge, no experimental evidence demonstrating an impact on protein function has been reported. The following publication has been ascertained in the context of this evaluation (PMID: 31681265). No submitters have cited clinical-significance assessments for this variant to ClinVar. Based on the evidence outlined above, the variant was classified as likely benign.

Literature cited by the submitters: PubMed 31681265.